The following is an entry in ClinVar:

ClinVar aggregate classification (germline): Uncertain significance (1 of 4 stars; one submission).

Conditions:
Inborn genetic diseases. Identifiers: MedGen C0950123, MeSH D030342.

gnomAD v4.1: 37 of 1,613,986 alleles (0.0023%); highest among the groups gnomAD compares: South Asian, 0.037%; 1 homozygote.

Submission:

Ambry Genetics
Classification: Uncertain significance for Inborn genetic diseases. Last evaluated: 2024-12-07. Review status: criteria provided, single submitter. Criteria: Ambry Variant Classification Scheme 2023. Collection method: clinical testing. Allele origin: germline.
Comment: The p.Q64H variant (also known as c.192G>C), located in coding exon 2 of the SBDS gene, results from a G to C substitution at nucleotide position 192. The glutamine at codon 64 is replaced by histidine, an amino acid with highly similar properties. This amino acid position is conserved. In addition, the in silico prediction for this alteration is inconclusive. Based on the available evidence, the clinical significance of this variant remains unclear.

NM_016038.4(SBDS):c.192G>C (p.Gln64His)

Gene: SBDS (SBDS ribosome maturation factor; minus strand). Cytogenetic location: 7q11.21.
Variant type: single nucleotide variant.
Coding change: c.192G>C on transcript NM_016038.4 (MANE Select); coding-DNA position 192, G replaced by C.
Protein change: p.Gln64His; replaces glutamine 64 with histidine.
Molecular consequence: missense variant.
Genome position (GRCh38, 1-based): chr7:66,994,278, C>G on the plus strand (G>C on the coding strand, the complement: SBDS is on the minus strand). VCF-style: chr7-66994278-C-G. GRCh37 (hg19) VCF-style: chr7-66459265-C-G.
Other names: short protein forms Q64H.
Identifiers: ClinVar variation 3437539 (VCV003437539.1).